The following is an entry in ClinVar:

NM_005188.4(CBL):c.1228-4_1228-3delinsCT

Gene: CBL (Cbl proto-oncogene; plus strand). Cytogenetic location: 11q23.3.
Variant type: Indel.
Coding change: c.1228-4_1228-3delinsCT on transcript NM_005188.4 (MANE Select); 4 bases into the intron before coding-DNA position 1228 through 3 bases into the intron before coding-DNA position 1228, GC replaced by CT.
Molecular consequence: intron variant.
Genome position (GRCh38, 1-based): chr11:119,278,506-119,278,507, GC replaced by CT. VCF-style: chr11-119278506-GC-CT. GRCh37 (hg19) VCF-style: chr11-119149216-GC-CT.
Identifiers: ClinVar variation 3648780 (VCV003648780.2).
Genomic context (GRCh38, chr11:119,278,506, plus strand): 5'-CTAGTAGATTAATATTTTAAGTATTTTCAGATGCATCTGTTACTATCTTTTGCTTCTTCT[GC>CT]AGGAATCAGAAGGTCAGGGCTGTCCTTTCTGCCGATGTGAAATTAAAGGTACTGAACCCA-3'

ClinVar aggregate classification (germline): Uncertain significance (1 of 4 stars; one submission).

Conditions:
RASopathy. Also called: Noonan spectrum disorder; rasopathies. Identifiers: Orphanet 536391, MedGen C5555857, MONDO:0021060.

Submission:

Labcorp Genetics (formerly Invitae), Labcorp
Classification: Uncertain significance for RASopathy. Last evaluated: 2024-04-04. Review status: criteria provided, single submitter. Criteria: Invitae Variant Classification Sherloc (09022015). Collection method: clinical testing. Allele origin: germline.
Comment: This sequence change falls in intron 8 of the CBL gene. It does not directly change the encoded amino acid sequence of the CBL protein. It affects a nucleotide within the consensus splice site. Information on the frequency of this variant in the gnomAD database is not available, as this variant may be reported differently in the database. This variant has not been reported in the literature in individuals affected with CBL-related conditions. Variants that disrupt the consensus splice site are a relatively common cause of aberrant splicing (PMID: 17576681, 9536098). In summary, the available evidence is currently insufficient to determine the role of this variant in disease. Therefore, it has been classified as a Variant of Uncertain Significance.

Literature cited by the submitters: PubMed 17576681; PubMed 9536098.